The following is an entry in ClinVar:

ClinVar aggregate classification (germline): Uncertain significance (1 of 4 stars; one submission).

Conditions:
CLDN1-related disorder. Also called: CLDN1-related condition.

gnomAD v4.1: 2 of 1,614,106 alleles (0.00012%); highest among the groups gnomAD compares: Admixed American, 0.0017%; no homozygotes.

Submission:

PreventionGenetics, part of Exact Sciences
Classification: Uncertain significance for CLDN1-related condition. Last evaluated: 2025-09-03. Review status: criteria provided, single submitter. Criteria: ACMG Guidelines, 2015. Collection method: clinical testing. Allele origin: germline.
Comment: The CLDN1 c.142G>C variant is predicted to result in the amino acid substitution p.Glu48Gln. To our knowledge, this variant has not been reported in the literature or in a large population database (gnomAD), indicating this variant is rare. At this time, the clinical significance of this variant is uncertain due to the absence of conclusive functional and genetic evidence.

NM_021101.5(CLDN1):c.142G>C (p.Glu48Gln)

Genes: CLDN16 (claudin 16; plus strand), CLDN1 (claudin 1; minus strand). Cytogenetic location: 3q28.
Variant type: single nucleotide variant.
Coding change: c.142G>C on transcript NM_021101.5 (MANE Select); coding-DNA position 142, G replaced by C.
Protein change: p.Glu48Gln; replaces glutamic acid 48 with glutamine.
Molecular consequence: missense variant. On other transcripts: intron variant (2).
Genome position (GRCh38, 1-based): chr3:190,322,065, C>G on the plus strand (G>C on the coding strand, the complement: CLDN1 is on the minus strand). VCF-style: chr3-190322065-C-G. GRCh37 (hg19) VCF-style: chr3-190039854-C-G.
Other names: c.-279+7006C>G (NM_001378492.1); c.-279+31474C>G (NM_001378493.1); short protein forms E48Q.
Identifiers: ClinVar variation 4995893 (VCV004995893.1).
Genomic context (GRCh38, chr3:190,322,065, plus strand): 5'-CAAAGACTTTGCACTGGATCTGCCCGGTGCTCTGCGACACGCAGGACATCCACAGCCCCT[C>G]GTACATGGCCTGGGCGGTCACGATGTTGTCGCCGGCATAGGAGTAAATCCTCCACTGGGG-3'
Protein context (NP_066924.1, residues 38-58): DNIVTAQAMY[Glu48Gln]GLWMSCVSQS